The following is an entry in ClinVar:

ClinVar aggregate classification (germline): Uncertain significance (1 of 4 stars; one submission).

Conditions:
SLC12A3-related disorder. Also called: SLC12A3-related condition.

Allele frequency attached by ClinVar (database versions not stated): gnomAD exomes below 0.00001.
gnomAD v4.1: 1 of 1,614,016 alleles (0.000062%); highest among the groups gnomAD compares: South Asian, 0.0011%; no homozygotes.

Submission:

PreventionGenetics, part of Exact Sciences
Classification: Uncertain significance for SLC12A3-related condition. Last evaluated: 2023-02-22. Review status: criteria provided, single submitter. Criteria: ACMG Guidelines, 2015. Collection method: clinical testing. Allele origin: germline.
Comment: The SLC12A3 c.1640G>T variant is predicted to result in the amino acid substitution p.Cys547Phe. To our knowledge, this variant has not been reported in the literature or in a large population database, indicating this variant is rare. At this time, the clinical significance of this variant is uncertain due to the absence of conclusive functional and genetic evidence.

NM_001126108.2(SLC12A3):c.1640G>T (p.Cys547Phe)

Gene: SLC12A3 (solute carrier family 12 member 3; plus strand). Cytogenetic location: 16q13.
Variant type: single nucleotide variant.
Coding change: c.1640G>T on transcript NM_001126108.2 (MANE Select); coding-DNA position 1640, G replaced by T.
Protein change: p.Cys547Phe; replaces cysteine 547 with phenylalanine.
Molecular consequence: missense variant.
Genome position (GRCh38, 1-based): chr16:56,882,468, G>T. VCF-style: chr16-56882468-G-T. GRCh37 (hg19) VCF-style: chr16-56916380-G-T.
Other names: c.1640G>T, p.Cys547Phe (NM_000339.3); c.1637G>T, p.Cys546Phe (NM_001126107.2, NM_001410896.1); short protein forms C546F, C547F.
Identifiers: ClinVar variation 2630208 (VCV002630208.1), dbSNP rs2543511850, ClinGen allele CA395989257.